The following is an entry in ClinVar:

NM_020693.4(DSCAML1):c.6085G>A (p.Glu2029Lys)

Gene: DSCAML1 (DS cell adhesion molecule like 1; minus strand). Cytogenetic location: 11q23.3.
Variant type: single nucleotide variant.
Coding change: c.6085G>A on transcript NM_020693.4 (MANE Select); coding-DNA position 6085, G replaced by A.
Protein change: p.Glu2029Lys; replaces glutamic acid 2029 with lysine.
Molecular consequence: missense variant.
Genome position (GRCh38, 1-based): chr11:117,428,405, C>T on the plus strand (G>A on the coding strand, the complement: DSCAML1 is on the minus strand). VCF-style: chr11-117428405-C-T. GRCh37 (hg19) VCF-style: chr11-117299121-C-T.
Other names: c.6265G>A (NM_020693.2); short protein forms E2029K.
Identifiers: ClinVar variation 2177011 (VCV002177011.6), dbSNP rs762186342, ClinGen allele CA6295872.

ClinVar aggregate classification (germline): Uncertain significance. Review status: criteria provided, multiple submitters, no conflicts (2 of 4 stars). 2 submissions from 2 submitters: Uncertain significance (2). Last evaluated 2025-12-24.

Allele frequency attached by ClinVar (database versions not stated): gnomAD 0.00001; TOPMed 0.00001; ExAC 0.00002; gnomAD exomes 0.00003.
gnomAD v4.1: 47 of 1,570,928 alleles (0.003%); highest among the groups gnomAD compares: Middle Eastern, 0.017%; no homozygotes.

Submissions (2):

Labcorp Genetics (formerly Invitae), Labcorp
Classification: Uncertain significance. Last evaluated: 2025-12-24. Review status: criteria provided, single submitter. Criteria: Invitae Variant Classification Sherloc (09022015). Collection method: clinical testing. Allele origin: germline.
Comment: This sequence change replaces glutamic acid, which is acidic and polar, with lysine, which is basic and polar, at codon 2089 of the DSCAML1 protein (p.Glu2089Lys). This variant is present in population databases (rs762186342, gnomAD 0.01%). This variant has not been reported in the literature in individuals affected with DSCAML1-related conditions. ClinVar contains an entry for this variant (Variation ID: 2177011). An algorithm developed to predict the effect of missense changes on protein structure and function (PolyPhen-2) suggests that this variant is likely to be tolerated. In summary, the available evidence is currently insufficient to determine the role of this variant in disease. Therefore, it has been classified as a Variant of Uncertain Significance.

Ambry Genetics
Classification: Uncertain significance. Last evaluated: 2023-07-25. Review status: criteria provided, single submitter. Criteria: Ambry Variant Classification Scheme 2023. Collection method: clinical testing. Allele origin: germline.